The following is an entry in ClinVar:

ClinVar aggregate classification (germline): Uncertain significance. Review status: criteria provided, multiple submitters, no conflicts (2 of 4 stars). 2 submissions from 2 submitters: Uncertain significance (2). Last evaluated 2025-03-27.

Conditions:
Inborn genetic diseases. Identifiers: MedGen C0950123, MeSH D030342.

Submissions (2):

GeneDx
Classification: Uncertain significance. Last evaluated: 2025-03-27. Review status: criteria provided, single submitter. Criteria: GeneDx Variant Classification Process June 2021. Collection method: clinical testing. Allele origin: germline. Affected: yes.
Comment: In-frame duplication of 1 amino acid in a non-repeat region; Not observed at significant frequency in large population cohorts (gnomAD); Has not been previously published as pathogenic or benign to our knowledge

Ambry Genetics
Classification: Uncertain significance for Inborn genetic diseases. Last evaluated: 2018-05-25. Review status: criteria provided, single submitter. Criteria: Ambry exome assertion method (8-5-2015). Collection method: clinical testing. Allele origin: germline. Affected: yes. Observed: 1 variant allele.

NM_001042681.2(RERE):c.2450CGC[3] (p.Pro818dup)

Gene: RERE (arginine-glutamic acid dipeptide repeats; minus strand). Cytogenetic location: 1p36.23.
Variant type: Microsatellite.
Coding change: c.2450CGC[3] on transcript NM_001042681.2 (MANE Select); three copies in a row of the 3-base unit CGC starting at c.2450; the reference has two copies in a row; one copy, 3 bases duplicated.
Protein change: p.Pro818dup; duplicates proline 818.
Molecular consequence: inframe insertion.
Genome position (GRCh38, 1-based): chr1:8,361,052-8,361,054, GCG duplicated on the plus strand (CGC on the coding strand, the reverse complement: RERE is on the minus strand); duplicating any 3 consecutive bases within chr1:8,361,052-8,361,058 gives the same sequence; the position shown is the placement nearest the transcript's 3' end. VCF-style (leftmost placement, unchanged base first): chr1-8361051-T-TGCG. GRCh37 (hg19) VCF-style: chr1-8421111-T-TGCG.
Other names: c.788CGC[3], p.Pro264dup (NM_001042682.2); c.2450CGC[3], p.Pro818dup (NM_012102.4); c.2453_2455dupCGC (NM_012102.3); c.2453_2455dup (NM_012102.3).
Identifiers: ClinVar variation 985705 (VCV000985705.5), dbSNP rs1641553801, ClinGen allele CA416029957.